The following is an entry in ClinVar:

ClinVar aggregate classification (germline): Uncertain significance (1 of 4 stars; one submission).

Conditions:
Familial intrahepatic cholestasis. Identifiers: Orphanet 284385, MedGen CN296401, MONDO:0017290.

gnomAD v4.1: 2 of 1,614,054 alleles (0.00012%); highest among the groups gnomAD compares: South Asian, 0.0011%; no homozygotes.

Submission:

Genomenon, Inc
Classification: Uncertain significance for Familial intrahepatic cholestasis. Last evaluated: 2026-04-14. Review status: criteria provided, single submitter. Criteria: Genomenon Sequence Variant Interpretation Standards - Updated. Collection method: curation. Allele origin: germline. Affected: yes.
Comment: ABCB4 p.Gly622Glu (c.1865G>A) is a missense variant that changes the amino acid at residue 622 from Glycine to Glutamic acid. This variant has been shown to be significantly associated with ABCB4-related phenotypes in the Icelandic population (PMID:30504769;25807286). In silico models predict that this variant is possibly or probably damaging. In conclusion, we classify ABCB4 p.Gly622Glu (c.1865G>A) as a variant of uncertain significance.

Literature cited by the submitters: PubMed 30504769; PubMed 25807286.

NM_000443.4(ABCB4):c.1865G>A (p.Gly622Glu)

Gene: ABCB4 (ATP binding cassette subfamily B member 4; minus strand). Cytogenetic location: 7q21.12.
Variant type: single nucleotide variant.
Coding change: c.1865G>A on transcript NM_000443.4 (MANE Select); coding-DNA position 1865, G replaced by A.
Protein change: p.Gly622Glu; replaces glycine 622 with glutamic acid.
Molecular consequence: missense variant.
Genome position (GRCh38, 1-based): chr7:87,431,432, C>T on the plus strand (G>A on the coding strand, the complement: ABCB4 is on the minus strand). VCF-style: chr7-87431432-C-T. GRCh37 (hg19) VCF-style: chr7-87060748-C-T.
Other names: c.1865G>A, p.Gly622Glu (NM_018849.3, NM_018850.3); short protein forms G622E.
Identifiers: ClinVar variation 4846476 (VCV004846476.1).